The following is an entry in ClinVar:

NM_003108.4(SOX11):c.893G>T (p.Arg298Leu)

Gene: SOX11 (SRY-box transcription factor 11; plus strand). Cytogenetic location: 2p25.2.
Variant type: single nucleotide variant.
Coding change: c.893G>T on transcript NM_003108.4 (MANE Select); coding-DNA position 893, G replaced by T.
Protein change: p.Arg298Leu; replaces arginine 298 with leucine.
Molecular consequence: missense variant.
Genome position (GRCh38, 1-based): chr2:5,693,614, G>T. VCF-style: chr2-5693614-G-T. GRCh37 (hg19) VCF-style: chr2-5833746-G-T.
Other names: short protein forms R298L.
Identifiers: ClinVar variation 2129009 (VCV002129009.5), dbSNP rs1435531266, ClinGen allele CA345867679.

ClinVar aggregate classification (germline): Uncertain significance. Review status: criteria provided, multiple submitters, no conflicts (2 of 4 stars). 2 submissions from 2 submitters: Uncertain significance (2). Last evaluated 2024-05-13.

Conditions:
Intellectual developmental disorder with microcephaly and with or without ocular malformations or hypogonadotropic hypogonadism. Also called: Coffin-Siris Syndrome 9; Intellectual disability, autosomal dominant 27. Identifiers: Orphanet 1465, MedGen C4014528, MONDO:0014376, OMIM 615866.

Allele frequency attached by ClinVar (database versions not stated): TOPMed below 0.00001.
gnomAD v4.1: 4 of 1,567,948 alleles (0.00026%); highest among the groups gnomAD compares: Non-Finnish European, 0.00034%; no homozygotes.

Submissions (2):

Fulgent Genetics
Classification: Uncertain significance for Intellectual developmental disorder with microcephaly and with or without ocular malformations or hypogonadotropic hypogonadism. Last evaluated: 2024-05-13. Review status: criteria provided, single submitter. Criteria: ACMG Guidelines, 2015. Collection method: clinical testing. Allele origin: germline.

Labcorp Genetics (formerly Invitae), Labcorp
Classification: Uncertain significance. Last evaluated: 2023-10-16. Review status: criteria provided, single submitter. Criteria: Invitae Variant Classification Sherloc (09022015). Collection method: clinical testing. Allele origin: germline.
Comment: This sequence change replaces arginine, which is basic and polar, with leucine, which is neutral and non-polar, at codon 298 of the SOX11 protein (p.Arg298Leu). This variant is not present in population databases (gnomAD no frequency). This variant has not been reported in the literature in individuals affected with SOX11-related conditions. ClinVar contains an entry for this variant (Variation ID: 2129009). Advanced modeling of protein sequence and biophysical properties (such as structural, functional, and spatial information, amino acid conservation, physicochemical variation, residue mobility, and thermodynamic stability) performed at Invitae indicates that this missense variant is not expected to disrupt SOX11 protein function. In summary, the available evidence is currently insufficient to determine the role of this variant in disease. Therefore, it has been classified as a Variant of Uncertain Significance.